The following is an entry in ClinVar:

ClinVar aggregate classification (germline): Likely pathogenic (1 of 4 stars; one submission).

Conditions:
Galactosylceramide beta-galactosidase deficiency. Also called: GALACTOCEREBROSIDASE DEFICIENCY; GALC DEFICIENCY; GLOBOID CELL LEUKOENCEPHALOPATHY; Leukodystrophy, Globoid Cell; Krabbe Disease. Identifiers: Orphanet 487, MedGen C0023521, MONDO:0009499, OMIM 245200.

Submission:

Myriad Genetics, Inc.
Classification: Likely pathogenic for Galactosylceramide beta-galactosidase deficiency. Last evaluated: 2022-02-25. Review status: criteria provided, single submitter. Criteria: Myriad Women's Health Autosomal Recessive and X-Linked Classification Criteria (2021). Collection method: clinical testing. Allele origin: unknown.
Comment: NM_000153.3(GALC):c.1168A>T(K390*) is expected to be pathogenic in the context of Krabbe disease. This variant is predicted to lead to an abnormal or absent protein product due to the creation of a premature termination codon in GALC, a gene where loss-of-function variants are known to be pathogenic. Please note: this variant was assessed in the context of healthy population screening.

NM_000153.4(GALC):c.1168A>T (p.Lys390Ter)

Gene: GALC (galactosylceramidase; minus strand). Cytogenetic location: 14q31.3.
Variant type: single nucleotide variant.
Coding change: c.1168A>T on transcript NM_000153.4 (MANE Select); coding-DNA position 1168, A replaced by T.
Protein change: p.Lys390Ter; replaces lysine 390 with a stop codon.
Molecular consequence: nonsense.
Genome position (GRCh38, 1-based): chr14:87,950,742, T>A on the plus strand (A>T on the coding strand, the complement: GALC is on the minus strand). VCF-style: chr14-87950742-T-A. GRCh37 (hg19) VCF-style: chr14-88417086-T-A.
Other names: c.1099A>T, p.Lys367Ter (NM_001201401.2); c.1090A>T, p.Lys364Ter (NM_001201402.2); short protein forms K364*, K367*, K390*.
Identifiers: ClinVar variation 1724664 (VCV001724664.2), dbSNP rs2139963715, ClinGen allele CA390747087.